The following is an entry in ClinVar:

NM_001042492.3(NF1):c.4894A>T (p.Lys1632Ter)

Gene: NF1 (neurofibromin 1; plus strand). Cytogenetic location: 17q11.2.
Variant type: single nucleotide variant.
Coding change: c.4894A>T on transcript NM_001042492.3 (MANE Select); coding-DNA position 4894, A replaced by T.
Protein change: p.Lys1632Ter; replaces lysine 1632 with a stop codon.
Molecular consequence: nonsense.
Genome position (GRCh38, 1-based): chr17:31,325,878, A>T. VCF-style: chr17-31325878-A-T. GRCh37 (hg19) VCF-style: chr17-29652896-A-T.
Other names: c.4831A>T, p.Lys1611Ter (NM_000267.4); short protein forms K1632*, K1611*.
Identifiers: ClinVar variation 1454591 (VCV001454591.6), dbSNP rs1597829604, ClinGen allele CA399007050.

ClinVar aggregate classification (germline): Pathogenic (1 of 4 stars; one submission).

Conditions:
Neurofibromatosis, type 1 (NF1). Also called: Neurofibromatosis, type I; VON RECKLINGHAUSEN DISEASE; NEUROFIBROMATOSIS, TYPE I, SOMATIC; Peripheral type neurofibromatosis. Identifiers: Orphanet 636, MedGen C0027831, MONDO:0018975, OMIM 162200. Disease mechanism: loss of function.

Submission:

Labcorp Genetics (formerly Invitae), Labcorp
Classification: Pathogenic for Neurofibromatosis, type 1. Last evaluated: 2021-03-24. Review status: criteria provided, single submitter. Criteria: Invitae Variant Classification Sherloc (09022015). Collection method: clinical testing. Allele origin: germline.
Comment: For these reasons, this variant has been classified as Pathogenic. This variant has not been reported in the literature in individuals with NF1-related conditions. This variant is not present in population databases (ExAC no frequency). This sequence change creates a premature translational stop signal (p.Lys1611*) in the NF1 gene. It is expected to result in an absent or disrupted protein product. Loss-of-function variants in NF1 are known to be pathogenic (PMID: 10712197, 23913538).

Literature cited by the submitters: PubMed 10712197; PubMed 23913538.